The following is an entry in ClinVar:

ClinVar aggregate classification (germline): Uncertain significance. Review status: criteria provided, multiple submitters, no conflicts (2 of 4 stars). 3 submissions from 3 submitters: Uncertain significance (3). Last evaluated 2025-04-28.

Conditions:
Inborn genetic diseases. Identifiers: MedGen C0950123, MeSH D030342.
Poikiloderma with neutropenia (PN). Identifiers: Orphanet 221046, MedGen C1858723, MONDO:0011405, OMIM 604173.

Allele frequency attached by ClinVar (database versions not stated): ESP Exome Variant Server 0.00015.
gnomAD v4.1: 96 of 1,614,012 alleles (0.0059%); highest among the groups gnomAD compares: Admixed American, 0.012%; no homozygotes.

Submissions (3):

Ambry Genetics
Classification: Uncertain significance for Inborn genetic diseases. Last evaluated: 2025-04-28. Review status: criteria provided, single submitter. Criteria: Ambry Variant Classification Scheme 2023. Collection method: clinical testing. Allele origin: germline.

Labcorp Genetics (formerly Invitae), Labcorp
Classification: Uncertain significance. Last evaluated: 2025-02-20. Review status: criteria provided, single submitter. Criteria: Invitae Variant Classification Sherloc (09022015). Collection method: clinical testing. Allele origin: germline.
Comment: This sequence change replaces arginine, which is basic and polar, with cysteine, which is neutral and slightly polar, at codon 252 of the USB1 protein (p.Arg252Cys). This variant is present in population databases (rs146419360, gnomAD 0.02%). This variant has not been reported in the literature in individuals affected with USB1-related conditions. ClinVar contains an entry for this variant (Variation ID: 1417114). Invitae Evidence Modeling of protein sequence and biophysical properties (such as structural, functional, and spatial information, amino acid conservation, physicochemical variation, residue mobility, and thermodynamic stability) indicates that this missense variant is not expected to disrupt USB1 protein function with a negative predictive value of 80%. In summary, the available evidence is currently insufficient to determine the role of this variant in disease. Therefore, it has been classified as a Variant of Uncertain Significance.

Fulgent Genetics
Classification: Uncertain significance for Poikiloderma with neutropenia. Last evaluated: 2024-05-14. Review status: criteria provided, single submitter. Criteria: ACMG Guidelines, 2015. Collection method: clinical testing. Allele origin: germline.

NM_024598.4(USB1):c.754C>T (p.Arg252Cys)

Gene: USB1 (U6 snRNA biogenesis phosphodiesterase 1; plus strand). Cytogenetic location: 16q21.
Variant type: single nucleotide variant.
Coding change: c.754C>T on transcript NM_024598.4 (MANE Select); coding-DNA position 754, C replaced by T.
Protein change: p.Arg252Cys; replaces arginine 252 with cysteine.
Molecular consequence: missense variant.
Genome position (GRCh38, 1-based): chr16:58,020,201, C>T. VCF-style: chr16-58020201-C-T. GRCh37 (hg19) VCF-style: chr16-58054105-C-T.
Other names: c.754C>T (NM_024598.3); c.700C>T, p.Arg234Cys (NM_001195302.2); c.601C>T, p.Arg201Cys (NM_001330568.2); short protein forms R201C, R234C, R252C.
Identifiers: ClinVar variation 1417114 (VCV001417114.10), dbSNP rs146419360, ClinGen allele CA8085049.
Genomic context (GRCh38, chr16:58,020,201, plus strand): 5'-GCAATCGTGGATGGGTTTGAAGATGCTGAGGTGCTGCTGCGCGTGCACACTGAGCAAGTC[C>T]GCTGCAAGTCTGGGAACAAGTTCTTCTCGATGCCTTTGAAGTGAGCACCAGAGGCCTTCC-3'
Protein context (NP_078874.2, residues 242-262): VLLRVHTEQV[Arg252Cys]CKSGNKFFSM